The following is an entry in ClinVar:

ClinVar aggregate classification (germline): Uncertain significance (1 of 4 stars; one submission).

Allele frequency attached by ClinVar (database versions not stated): TOPMed below 0.00001.

Submission:

Greenwood Genetic Center Diagnostic Laboratories, Greenwood Genetic Center
Classification: Uncertain significance. Last evaluated: 2024-01-17. Review status: criteria provided, single submitter. Criteria: ACMG Guidelines, 2015. Collection method: clinical testing. Allele origin: germline. Affected: yes.
Comment: Gene of Uncertain Significance

NM_003952.3(RPS6KB2):c.755G>C (p.Trp252Ser)

Gene: RPS6KB2 (ribosomal protein S6 kinase B2; plus strand). Cytogenetic location: 11q13.2.
Variant type: single nucleotide variant.
Coding change: c.755G>C on transcript NM_003952.3 (MANE Select); coding-DNA position 755, G replaced by C.
Protein change: p.Trp252Ser; replaces tryptophan 252 with serine.
Molecular consequence: missense variant.
Genome position (GRCh38, 1-based): chr11:67,433,173, G>C. VCF-style: chr11-67433173-G-C. GRCh37 (hg19) VCF-style: chr11-67200644-G-C.
Other names: short protein forms W252S.
Identifiers: ClinVar variation 3235839 (VCV003235839.1), dbSNP rs1864099177, ClinGen allele CA381584238.